The following is an entry in ClinVar:

ClinVar aggregate classification (germline): Benign. Review status: criteria provided, multiple submitters, no conflicts (2 of 4 stars). 6 submissions from 6 submitters: Benign (6). Last evaluated 2025-12-15.

Conditions:
SLC26A1-related disorder. Also called: SLC26A1-related condition.
Nephrolithiasis, calcium oxalate. Also called: Calcium oxalate urolithiasis. Identifiers: MedGen C1833683, MONDO:0957318, HP:0008672.

Allele frequency attached by ClinVar (database versions not stated): gnomAD exomes 0.00088 and 0.00231; ExAC 0.00257; ESP Exome Variant Server 0.00786; gnomAD 0.00814 and 0.00865; TOPMed 0.00907; 1000 Genomes Project 0.00998; 1000 Genomes Project 30x 0.01031.

Submissions (6):

Labcorp Genetics (formerly Invitae), Labcorp
Classification: Benign. Last evaluated: 2025-12-15. Review status: criteria provided, single submitter. Criteria: Invitae Variant Classification Sherloc (09022015). Collection method: clinical testing. Allele origin: germline.

PreventionGenetics, part of Exact Sciences
Classification: Benign for SLC26A1-related condition. Last evaluated: 2025-03-30. Review status: criteria provided, single submitter. Criteria: ACMG Guidelines, 2015. Collection method: clinical testing. Allele origin: germline.
Comment: This variant is classified as benign based on ACMG/AMP sequence variant interpretation guidelines (Richards et al. 2015 PMID: 25741868, with internal and published modifications).

Mayo Clinic Laboratories, Mayo Clinic
Classification: Benign. Last evaluated: 2024-08-07. Review status: criteria provided, single submitter. Criteria: ACMG Guidelines, 2015. Collection method: clinical testing. Allele origin: germline. Observed: 2 variant alleles.
Comment: BS1, BS2, BP4, BP7

Fulgent Genetics
Classification: Benign for Nephrolithiasis susceptibility caused by SLC26A1. Last evaluated: 2021-07-20. Review status: criteria provided, single submitter. Criteria: ACMG Guidelines, 2015. Collection method: clinical testing. Allele origin: unknown.

GeneDx
Classification: Benign. Last evaluated: 2020-04-13. Review status: criteria provided, single submitter. Criteria: GeneDx Variant Classification Process June 2021. Collection method: clinical testing. Allele origin: germline. Affected: yes.

Breakthrough Genomics
Classification: Benign. Review status: criteria provided, single submitter. Criteria: ACMG Guidelines, 2015. Collection method: not provided. Allele origin: germline. Inheritance: Autosomal recessive inheritance. Affected: yes.

NM_022042.4(SLC26A1):c.171G>A (p.Thr57=)

Genes: SLC26A1 (solute carrier family 26 member 1; minus strand), IDUA (alpha-L-iduronidase; plus strand). Cytogenetic location: 4p16.3.
Variant type: single nucleotide variant.
Coding change: c.171G>A on transcript NM_022042.4 (MANE Select); coding-DNA position 171, G replaced by A.
Protein change: p.Thr57=; no amino-acid change (threonine 57 retained).
Molecular consequence: synonymous variant. On other transcripts: intron variant (1).
Genome position (GRCh38, 1-based): chr4:991,533, C>T on the plus strand (G>A on the coding strand, the complement: SLC26A1 is on the minus strand). VCF-style: chr4-991533-C-T. GRCh37 (hg19) VCF-style: chr4-985321-C-T.
Other names: p.Thr57=; c.171G>A, p.Thr57= (NM_134425.4, NM_213613.4); c.299+3584C>T (NM_000203.5); c.171G>A (NM_022042.3).
Identifiers: ClinVar variation 786509 (VCV000786509.16), dbSNP rs35019459, ClinGen allele CA2801754.